The following is an entry in ClinVar:

NM_024301.5(FKRP):c.781G>A (p.Gly261Arg)

Gene: FKRP (fukutin related protein; plus strand). Cytogenetic location: 19q13.32.
Variant type: single nucleotide variant.
Coding change: c.781G>A on transcript NM_024301.5 (MANE Select); coding-DNA position 781, G replaced by A.
Protein change: p.Gly261Arg; replaces glycine 261 with arginine.
Molecular consequence: missense variant.
Genome position (GRCh38, 1-based): chr19:46,756,231, G>A. VCF-style: chr19-46756231-G-A. GRCh37 (hg19) VCF-style: chr19-47259488-G-A.
Other names: c.781G>A, p.Gly261Arg (NM_001039885.3); short protein forms G261R.
Identifiers: ClinVar variation 2154146 (VCV002154146.1), dbSNP rs561169991, ClinGen allele CA309099478.

ClinVar aggregate classification (germline): Uncertain significance (1 of 4 stars; one submission).

Conditions:
Walker-Warburg congenital muscular dystrophy. Also called: Muscular dystrophy-dystroglycanopathy, type A; Walker-Warburg syndrome. Identifiers: Orphanet 899, MedGen C0265221, MONDO:0000171.

Allele frequency attached by ClinVar (database versions not stated): gnomAD 0.00001; 1000 Genomes Project 30x 0.00031; 1000 Genomes Project 0.00040.

Submission:

Labcorp Genetics (formerly Invitae), Labcorp
Classification: Uncertain significance for Walker-Warburg congenital muscular dystrophy. Last evaluated: 2022-02-27. Review status: criteria provided, single submitter. Criteria: Invitae Variant Classification Sherloc (09022015). Collection method: clinical testing. Allele origin: germline.
Comment: This sequence change replaces glycine, which is neutral and non-polar, with arginine, which is basic and polar, at codon 261 of the FKRP protein (p.Gly261Arg). This variant is not present in population databases (gnomAD no frequency). This variant has not been reported in the literature in individuals affected with FKRP-related conditions. Algorithms developed to predict the effect of missense changes on protein structure and function (SIFT, PolyPhen-2, Align-GVGD) all suggest that this variant is likely to be tolerated. In summary, the available evidence is currently insufficient to determine the role of this variant in disease. Therefore, it has been classified as a Variant of Uncertain Significance.